The following is an entry in ClinVar:

ClinVar aggregate classification (germline): Uncertain significance. Review status: criteria provided, multiple submitters, no conflicts (2 of 4 stars). 2 submissions from 2 submitters: Uncertain significance (2). Last evaluated 2022-03-09.

Conditions:
Inborn genetic diseases. Identifiers: MedGen C0950123, MeSH D030342.
Acrocallosal syndrome (ACLS). Also called: HALLUX DUPLICATION, POSTAXIAL POLYDACTYLY, AND ABSENCE OF CORPUS CALLOSUM; Schinzel syndrome 1; Absence of corpus callosum with unusual facial appearance, mental deficiency, duplication of the halluces and polydactyly. Identifiers: Orphanet 36, MedGen C0796147, MONDO:0008708, OMIM 200990.

Allele frequency attached by ClinVar (database versions not stated): gnomAD exomes below 0.00001 and 0.00001; TOPMed below 0.00001; ExAC 0.00001; gnomAD 0.00001.
gnomAD v4.1: 6 of 1,613,734 alleles (0.00037%); highest among the groups gnomAD compares: Non-Finnish European, 0.00051%; no homozygotes.

Submissions (2):

Labcorp Genetics (formerly Invitae), Labcorp
Classification: Uncertain significance for Acrocallosal syndrome. Last evaluated: 2022-03-09. Review status: criteria provided, single submitter. Criteria: Invitae Variant Classification Sherloc (09022015). Collection method: clinical testing. Allele origin: germline.
Comment: In summary, the available evidence is currently insufficient to determine the role of this variant in disease. Therefore, it has been classified as a Variant of Uncertain Significance. Algorithms developed to predict the effect of missense changes on protein structure and function (SIFT, PolyPhen-2, Align-GVGD) all suggest that this variant is likely to be disruptive. This variant has not been reported in the literature in individuals affected with KIF7-related conditions. This variant is present in population databases (rs771441248, gnomAD 0.002%). This sequence change replaces threonine, which is neutral and polar, with alanine, which is neutral and non-polar, at codon 807 of the KIF7 protein (p.Thr807Ala).

Ambry Genetics
Classification: Uncertain significance for Inborn genetic diseases. Last evaluated: 2021-04-21. Review status: criteria provided, single submitter. Criteria: Ambry Variant Classification Scheme 2023. Collection method: clinical testing. Allele origin: germline.
Comment: The c.2419A>G (p.T807A) alteration is located in exon 12 (coding exon 11) of the KIF7 gene. This alteration results from a A to G substitution at nucleotide position 2419, causing the threonine (T) at amino acid position 807 to be replaced by an alanine (A). The p.T807A alteration is predicted to be tolerated by in silico analysis. Based on insufficient or conflicting evidence, the clinical significance of this alteration remains unclear.

NM_198525.3(KIF7):c.2419A>G (p.Thr807Ala)

Gene: KIF7 (kinesin family member 7; minus strand). Cytogenetic location: 15q26.1.
Variant type: single nucleotide variant.
Coding change: c.2419A>G on transcript NM_198525.3 (MANE Select); coding-DNA position 2419, A replaced by G.
Protein change: p.Thr807Ala; replaces threonine 807 with alanine.
Molecular consequence: missense variant.
Genome position (GRCh38, 1-based): chr15:89,633,859, T>C on the plus strand (A>G on the coding strand, the complement: KIF7 is on the minus strand). VCF-style: chr15-89633859-T-C. GRCh37 (hg19) VCF-style: chr15-90177090-T-C.
Other names: c.2419A>G (NM_198525.2); short protein forms T807A.
Identifiers: ClinVar variation 1498048 (VCV001498048.7), dbSNP rs771441248, ClinGen allele CA7728168.